The following is an entry in ClinVar:

NM_000254.3(MTR):c.1080A>G (p.Leu360=)

Gene: MTR (5-methyltetrahydrofolate-homocysteine methyltransferase; plus strand). Cytogenetic location: 1q43.
Variant type: single nucleotide variant.
Coding change: c.1080A>G on transcript NM_000254.3 (MANE Select); coding-DNA position 1080, A replaced by G.
Protein change: p.Leu360=; no amino-acid change (leucine 360 retained).
Molecular consequence: synonymous variant. On other transcripts: intron variant (1).
Genome position (GRCh38, 1-based): chr1:236,831,970, A>G. VCF-style: chr1-236831970-A-G. GRCh37 (hg19) VCF-style: chr1-236995270-A-G.
Other names: c.1080A>G, p.Leu360= (NM_001291939.1); c.-34+2702A>G (NM_001291940.2).
Identifiers: ClinVar variation 296559 (VCV000296559.30), dbSNP rs141861479, ClinGen allele CA1473995.

ClinVar aggregate classification (germline): Conflicting classifications of pathogenicity. Review status: criteria provided, conflicting classifications (1 of 4 stars). 5 submissions from 5 submitters: Uncertain significance (1); Likely benign (4). Last evaluated 2026-02-02.

Conditions:
MTR-related disorder. Also called: MTR-related condition.
Disorders of Intracellular Cobalamin Metabolism. Identifiers: MedGen CN043592.
Methylcobalamin deficiency type cblG (HMAG). Also called: HOMOCYSTINURIA-MEGALOBLASTIC ANEMIA, cblG COMPLEMENTATION TYPE; HOMOCYSTINURIA-MEGALOBLASTIC ANEMIA, cblG TYPE; Functional methionine synthase deficiency type cblG; HOMOCYSTINURIA-MEGALOBLASTIC ANEMIA DUE TO DEFECT IN COBALAMIN METABOLISM, cblG COMPLEMENTATION TYPE. Identifiers: Orphanet 2170, Orphanet 622, MedGen C1855128, MONDO:0009609, OMIM 250940.

Allele frequency attached by ClinVar (database versions not stated): ESP Exome Variant Server 0.00038; gnomAD exomes 0.00041 and 0.00103; gnomAD 0.00042 and 0.00043; TOPMed 0.00046; ExAC 0.00047.
gnomAD v4.1: 1,547 of 1,613,446 alleles (0.096%); highest among the groups gnomAD compares: Non-Finnish European, 0.13%; 4 homozygotes.

Submissions (5):

Labcorp Genetics (formerly Invitae), Labcorp
Classification: Likely benign for Methylcobalamin deficiency type cblG. Last evaluated: 2026-02-02. Review status: criteria provided, single submitter. Criteria: Invitae Variant Classification Sherloc (09022015). Collection method: clinical testing. Allele origin: germline.

CeGaT Center for Human Genetics Tuebingen
Classification: Likely benign. Last evaluated: 2025-11-01. Review status: criteria provided, single submitter. Criteria: CeGaT Center For Human Genetics Tuebingen Variant Classification Criteria Version 2. Collection method: clinical testing. Allele origin: germline. Affected: yes. Observed: 2 variant alleles.
Comment: MTR: BP4, BP7

PreventionGenetics, part of Exact Sciences
Classification: Likely benign for MTR-related condition. Last evaluated: 2025-07-21. Review status: criteria provided, single submitter. Criteria: ACMG Guidelines, 2015. Collection method: clinical testing. Allele origin: germline.
Comment: This variant is classified as likely benign based on ACMG/AMP sequence variant interpretation guidelines (Richards et al. 2015 PMID: 25741868, with internal and published modifications).

GeneDx
Classification: Likely benign. Last evaluated: 2018-02-19. Review status: criteria provided, single submitter. Criteria: GeneDx Variant Classification (06012015). Collection method: clinical testing. Allele origin: germline. Affected: yes.
Comment: This variant is considered likely benign or benign based on one or more of the following criteria: it is a conservative change, it occurs at a poorly conserved position in the protein, it is predicted to be benign by multiple in silico algorithms, and/or has population frequency not consistent with disease.

Illumina Laboratory Services, Illumina
Classification: Uncertain significance for Disorders of Intracellular Cobalamin Metabolism. Last evaluated: 2018-01-12. Review status: criteria provided, single submitter. Criteria: ICSL Variant Classification Criteria 13 December 2019. Collection method: clinical testing. Allele origin: germline.